The following is an entry in ClinVar:

NM_001038603.3(MARVELD2):c.1248A>C (p.Thr416=)

Gene: MARVELD2 (MARVEL domain containing 2; plus strand). Cytogenetic location: 5q13.2.
Variant type: single nucleotide variant.
Coding change: c.1248A>C on transcript NM_001038603.3 (MANE Select); coding-DNA position 1248, A replaced by C.
Protein change: p.Thr416=; no amino-acid change (threonine 416 retained).
Molecular consequence: synonymous variant.
Genome position (GRCh38, 1-based): chr5:69,432,592, A>C. VCF-style: chr5-69432592-A-C. GRCh37 (hg19) VCF-style: chr5-68728419-A-C.
Other names: c.1212A>C, p.Thr404= (NM_001244734.2).
Identifiers: ClinVar variation 354092 (VCV000354092.18), dbSNP rs146746360, ClinGen allele CA3294214.

ClinVar aggregate classification (germline): Conflicting classifications of pathogenicity. Review status: criteria provided, conflicting classifications (1 of 4 stars). 4 submissions from 4 submitters: Uncertain significance (1); Benign (3). Last evaluated 2026-02-01.

Conditions:
Autosomal recessive nonsyndromic hearing loss 49. Also called: Deafness, neurosensory, autosomal recessive 49. Identifiers: Orphanet 90636, MedGen C1857811, MONDO:0012420, OMIM 610153.

Allele frequency attached by ClinVar (database versions not stated): TOPMed 0.00012; ESP Exome Variant Server 0.00015; gnomAD exomes 0.00039 and 0.00080; 1000 Genomes Project 30x 0.00047; 1000 Genomes Project 0.00060; ExAC 0.00060; gnomAD 0.00080 and 0.00087.
gnomAD v4.1: 690 of 1,614,222 alleles (0.043%); highest among the groups gnomAD compares: Non-Finnish European, 0.016%; 4 homozygotes.

Submissions (4):

Labcorp Genetics (formerly Invitae), Labcorp
Classification: Benign. Last evaluated: 2026-02-01. Review status: criteria provided, single submitter. Criteria: Invitae Variant Classification Sherloc (09022015). Collection method: clinical testing. Allele origin: germline.

GeneDx
Classification: Benign. Last evaluated: 2020-02-24. Review status: criteria provided, single submitter. Criteria: GeneDx Variant Classification Process June 2021. Collection method: clinical testing. Allele origin: germline. Affected: yes.

Illumina Laboratory Services, Illumina
Classification: Uncertain significance for Autosomal recessive nonsyndromic hearing loss 49. Last evaluated: 2018-01-13. Review status: criteria provided, single submitter. Criteria: ICSL Variant Classification Criteria 13 December 2019. Collection method: clinical testing. Allele origin: germline.

Laboratory for Molecular Medicine, Mass General Brigham Personalized Medicine
Classification: Benign. Last evaluated: 2017-03-16. Review status: criteria provided, single submitter. Criteria: LMM Criteria. Collection method: clinical testing. Allele origin: germline. Observed: 1 variant allele.
Comment: p.Thr416Thr in Exon 04 of MARVELD2: This variant is not expected to have clinica l significance because it does not alter an amino acid residue, is not located w ithin the splice consensus sequence, and has been identified in 0.6% (38/6612) o f Finnish chromosomes by the Exome Aggregation Consortium (ExAC; dbSNPrs146746360) and 0.7% (182/25794) of Finnish chromosomes i ncluding 2 homozygotes by the Genome Aggregation Database (gnomAD .; dbSNPrs146746360).